The following is an entry in ClinVar:

NM_004656.4(BAP1):c.588G>T (p.Trp196Cys)

Gene: BAP1 (BRCA1 associated deubiquitinase 1; minus strand). Cytogenetic location: 3p21.1.
Variant type: single nucleotide variant.
Coding change: c.588G>T on transcript NM_004656.4 (MANE Select); coding-DNA position 588, G replaced by T.
Protein change: p.Trp196Cys; replaces tryptophan 196 with cysteine.
Molecular consequence: missense variant.
Genome position (GRCh38, 1-based): chr3:52,406,900, C>A on the plus strand (G>T on the coding strand, the complement: BAP1 is on the minus strand). VCF-style: chr3-52406900-C-A. GRCh37 (hg19) VCF-style: chr3-52440916-C-A.
Other names: short protein forms W196C.
Identifiers: ClinVar variation 472709 (VCV000472709.14), dbSNP rs1193212091, ClinGen allele CA353109204.

ClinVar aggregate classification (germline): Uncertain significance. Review status: criteria provided, multiple submitters, no conflicts (2 of 4 stars). 3 submissions from 3 submitters: Uncertain significance (3). Last evaluated 2026-04-15.

Conditions:
Hereditary cancer-predisposing syndrome. Also called: Tumor predisposition; Hereditary neoplastic syndrome; Neoplastic Syndromes, Hereditary; Hereditary Cancer Syndrome. Identifiers: Orphanet 140162, MedGen C0027672, MeSH D009386, MONDO:0015356.
BAP1-related tumor predisposition syndrome (TPDS1). Also called: Tumor susceptibility linked to germline BAP1 mutations; COMMON Syndrome; TUMOR PREDISPOSITION SYNDROME 1; BAP1 tumor predisposition syndrome. Identifiers: Orphanet 289539, MedGen C3280492, MONDO:0013692, OMIM 614327.

gnomAD v4.1: 2 of 1,571,620 alleles (0.00013%); highest among the groups gnomAD compares: Non-Finnish European, 0.00017%; no homozygotes.

Submissions (3):

Ambry Genetics
Classification: Uncertain significance for Hereditary cancer-predisposing syndrome. Last evaluated: 2026-04-15. Review status: criteria provided, single submitter. Criteria: Ambry Variant Classification Scheme 2023. Collection method: clinical testing. Allele origin: germline.
Comment: The p.W196C variant (also known as c.588G>T), located in coding exon 8 of the BAP1 gene, results from a G to T substitution at nucleotide position 588. The tryptophan at codon 196 is replaced by cysteine, an amino acid with highly dissimilar properties. This amino acid position is highly conserved in available vertebrate species. In addition, the in silico prediction for this alteration is inconclusive. Based on the available evidence, the clinical significance of this variant remains unclear.

Labcorp Genetics (formerly Invitae), Labcorp
Classification: Uncertain significance for BAP1-related tumor predisposition syndrome. Last evaluated: 2025-04-21. Review status: criteria provided, single submitter. Criteria: Invitae Variant Classification Sherloc (09022015). Collection method: clinical testing. Allele origin: germline.
Comment: This sequence change replaces tryptophan, which is neutral and slightly polar, with cysteine, which is neutral and slightly polar, at codon 196 of the BAP1 protein (p.Trp196Cys). This variant is not present in population databases (gnomAD no frequency). This variant has not been reported in the literature in individuals affected with BAP1-related conditions. ClinVar contains an entry for this variant (Variation ID: 472709). Invitae Evidence Modeling of protein sequence and biophysical properties (such as structural, functional, and spatial information, amino acid conservation, physicochemical variation, residue mobility, and thermodynamic stability) has been performed for this missense variant. However, the output from this modeling did not meet the statistical confidence thresholds required to predict the impact of this variant on BAP1 protein function. In summary, the available evidence is currently insufficient to determine the role of this variant in disease. Therefore, it has been classified as a Variant of Uncertain Significance.

Color Diagnostics, LLC DBA Color Health
Classification: Uncertain significance for Hereditary cancer-predisposing syndrome. Last evaluated: 2024-03-06. Review status: criteria provided, single submitter. Criteria: ACMG Guidelines, 2015. Collection method: clinical testing. Allele origin: germline.
Comment: This missense variant replaces tryptophan with cysteine at codon 196 of the BAP1 protein. Computational prediction suggests that this variant may not impact protein structure and function (internally defined REVEL score threshold <= 0.5, PMID: 27666373). To our knowledge, functional studies have not been reported for this variant. This variant has not been reported in individuals affected with hereditary cancer in the literature. This variant has not been identified in the general population by the Genome Aggregation Database (gnomAD). The available evidence is insufficient to determine the role of this variant in disease conclusively. Therefore, this variant is classified as a Variant of Uncertain Significance.